The following is an entry in ClinVar:

NM_001010867.4(IBA57):c.989C>G (p.Pro330Arg)

Gene: IBA57 (iron-sulfur cluster assembly factor IBA57; plus strand). Cytogenetic location: 1q42.13.
Variant type: single nucleotide variant.
Coding change: c.989C>G on transcript NM_001010867.4 (MANE Select); coding-DNA position 989, C replaced by G.
Protein change: p.Pro330Arg; replaces proline 330 with arginine.
Molecular consequence: missense variant.
Genome position (GRCh38, 1-based): chr1:228,175,431, C>G. VCF-style: chr1-228175431-C-G. GRCh37 (hg19) VCF-style: chr1-228363132-C-G.
Other names: c.410C>G, p.Pro137Arg (NM_001310327.2); short protein forms P330R, P137R.
Identifiers: ClinVar variation 841605 (VCV000841605.9), dbSNP rs918873125, ClinGen allele CA38742524.

ClinVar aggregate classification (germline): Uncertain significance (1 of 4 stars; one submission).

Conditions:
Multiple mitochondrial dysfunctions syndrome 3 (MMDS3). Identifiers: Orphanet 363424, MedGen C3809165, MONDO:0014132, OMIM 615330.
Hereditary spastic paraplegia 74. Also called: Spastic paraplegia 74, autosomal recessive. Identifiers: Orphanet 468661, MedGen C5568837, MONDO:0014644, OMIM 616451.

Allele frequency attached by ClinVar (database versions not stated): TOPMed below 0.00001; gnomAD 0.00001; gnomAD exomes 0.00001.
gnomAD v4.1: 10 of 1,612,244 alleles (0.00062%); highest among the groups gnomAD compares: South Asian, 0.0022%; no homozygotes.

Submission:

Labcorp Genetics (formerly Invitae), Labcorp
Classification: Uncertain significance for Multiple mitochondrial dysfunctions syndrome 3; Hereditary spastic paraplegia 74. Last evaluated: 2023-06-15. Review status: criteria provided, single submitter. Criteria: Invitae Variant Classification Sherloc (09022015). Collection method: clinical testing. Allele origin: germline.
Comment: In summary, the available evidence is currently insufficient to determine the role of this variant in disease. Therefore, it has been classified as a Variant of Uncertain Significance. Advanced modeling of protein sequence and biophysical properties (such as structural, functional, and spatial information, amino acid conservation, physicochemical variation, residue mobility, and thermodynamic stability) performed at Invitae indicates that this missense variant is not expected to disrupt IBA57 protein function. ClinVar contains an entry for this variant (Variation ID: 841605). This variant has not been reported in the literature in individuals affected with IBA57-related conditions. This variant is not present in population databases (gnomAD no frequency). This sequence change replaces proline, which is neutral and non-polar, with arginine, which is basic and polar, at codon 330 of the IBA57 protein (p.Pro330Arg).